The following is an entry in ClinVar:

NM_024675.4(PALB2):c.2268C>T (p.Cys756=)

Gene: PALB2 (partner and localizer of BRCA2; minus strand). Cytogenetic location: 16p12.2.
Variant type: single nucleotide variant.
Coding change: c.2268C>T on transcript NM_024675.4 (MANE Select); coding-DNA position 2268, C replaced by T.
Protein change: p.Cys756=; no amino-acid change (cysteine 756 retained).
Molecular consequence: synonymous variant.
Genome position (GRCh38, 1-based): chr16:23,629,886, G>A on the plus strand (C>T on the coding strand, the complement: PALB2 is on the minus strand). VCF-style: chr16-23629886-G-A. GRCh37 (hg19) VCF-style: chr16-23641207-G-A.
Identifiers: ClinVar variation 627918 (VCV000627918.13), dbSNP rs1567217721, ClinGen allele CA494461005.

ClinVar aggregate classification (germline): Benign/Likely benign. Review status: criteria provided, multiple submitters, no conflicts (2 of 4 stars). 4 submissions from 4 submitters: Benign (1); Likely benign (3). Last evaluated 2025-01-15.

Conditions:
Fanconi anemia complementation group N. Also called: PALB2-Related Fanconi Anemia. Identifiers: Orphanet 84, MedGen C1835817, MONDO:0012565, OMIM 610832. Disease mechanism: loss of function.
Breast-ovarian cancer, familial, susceptibility to, 5 (BROVCA5). Identifiers: MedGen C5830615, MONDO:0957530, OMIM 620442.
Pancreatic cancer, susceptibility to, 3. Identifiers: Orphanet 1333, MedGen C3150547, MONDO:0013236, OMIM 613348.
Hereditary cancer-predisposing syndrome. Also called: Tumor predisposition; Neoplastic Syndromes, Hereditary; Hereditary Cancer Syndrome; Hereditary neoplastic syndrome. Identifiers: Orphanet 140162, MedGen C0027672, MeSH D009386, MONDO:0015356.
Familial cancer of breast. Also called: BREAST CANCER, FAMILIAL; Hereditary breast cancer; hereditary breast carcinoma. Identifiers: Orphanet 227535, MedGen C0346153, MONDO:0016419, OMIM 114480. Disease mechanism: loss of function.

Submissions (4):

Myriad Genetics, Inc.
Classification: Benign for Familial cancer of breast. Last evaluated: 2025-01-15. Review status: criteria provided, single submitter. Criteria: Myriad Autosomal Dominant, Autosomal Recessive and X-Linked Classification Criteria (2023). Collection method: clinical testing. Allele origin: unknown.
Comment: This variant is considered benign. This variant is a silent/synonymous amino acid change and it is not expected to impact splicing.

Department of Pathology and Laboratory Medicine, Sinai Health System
Classification: Likely benign for Fanconi anemia complementation group N; Pancreatic cancer, susceptibility to, 3; Breast-ovarian cancer, familial, susceptibility to, 5. Last evaluated: 2022-12-23. Review status: criteria provided, single submitter. Criteria: ACMG Guidelines, 2015. Collection method: clinical testing. Allele origin: germline. Affected: no.

Labcorp Genetics (formerly Invitae), Labcorp
Classification: Likely benign for Familial cancer of breast. Last evaluated: 2021-09-04. Review status: criteria provided, single submitter. Criteria: Invitae Variant Classification Sherloc (09022015). Collection method: clinical testing. Allele origin: germline.

Color Diagnostics, LLC DBA Color Health
Classification: Likely benign for Hereditary cancer-predisposing syndrome. Last evaluated: 2018-03-12. Review status: criteria provided, single submitter. Criteria: ACMG Guidelines, 2015. Collection method: clinical testing. Allele origin: germline.